The following is an entry in ClinVar:

ClinVar aggregate classification (germline): Pathogenic (1 of 4 stars; one submission).

Conditions:
Fraser syndrome 1 (FRASRS1). Also called: CRYPTOPHTHALMOS WITH OTHER MALFORMATIONS. Identifiers: Orphanet 2052, MedGen C4551480, MONDO:0054737, OMIM 219000.

Submission:

Laboratorio de Genetica e Diagnostico Molecular, Hospital Israelita Albert Einstein
Classification: Pathogenic for Fraser syndrome 1. Last evaluated: 2024-10-11. Review status: criteria provided, single submitter. Criteria: ACMG Guidelines, 2015. Collection method: clinical testing. Allele origin: germline. Affected: yes.
Comment: ACMG classification criteria: PVS1 very strong, PM2 supporting, PM3 supporting

NM_025074.7(FRAS1):c.1479del (p.Gln494fs)

Gene: FRAS1 (Fraser extracellular matrix complex subunit 1; plus strand). Cytogenetic location: 4q21.21.
Variant type: Deletion.
Coding change: c.1479del on transcript NM_025074.7 (MANE Select); coding-DNA position 1479, one base deleted (G; older notation c.1479delG).
Protein change: p.Gln494fs; shifts the reading frame from glutamine 494.
Molecular consequence: frameshift variant.
Genome position (GRCh38, 1-based): chr4:78,286,484, G deleted; the last of 3 consecutive G bases (chr4:78,286,482-78,286,484); deleting any one gives the same sequence. VCF-style (leftmost placement, unchanged base first): chr4-78286481-CG-C. GRCh37 (hg19) VCF-style: chr4-79207635-CG-C.
Other names: c.1479del, p.Gln494fs (NM_001166133.2); short protein forms Q494fs.
Identifiers: ClinVar variation 3902021 (VCV003902021.1).